The following is an entry in ClinVar:

ClinVar aggregate classification (germline): Likely benign (1 of 4 stars; one submission).

Conditions:
SLC24A1-related disorder. Also called: SLC24A1-related condition.

gnomAD v4.1: 5 of 1,613,972 alleles (0.00031%); highest among the groups gnomAD compares: Non-Finnish European, 0.00042%; no homozygotes.

Submission:

PreventionGenetics, part of Exact Sciences
Classification: Likely benign for SLC24A1-related condition. Last evaluated: 2026-03-20. Review status: criteria provided, single submitter. Criteria: ACMG Guidelines, 2015. Collection method: clinical testing. Allele origin: germline.
Comment: This variant is classified as likely benign based on ACMG/AMP sequence variant interpretation guidelines (Richards et al. 2015 PMID: 25741868, with internal and published modifications).

NM_004727.3(SLC24A1):c.801C>T (p.Asn267=)

Gene: SLC24A1 (solute carrier family 24 member 1; plus strand). Cytogenetic location: 15q22.31.
Variant type: single nucleotide variant.
Coding change: c.801C>T on transcript NM_004727.3 (MANE Select); coding-DNA position 801, C replaced by T.
Protein change: p.Asn267=; no amino-acid change (asparagine 267 retained).
Molecular consequence: synonymous variant.
Genome position (GRCh38, 1-based): chr15:65,624,881, C>T. VCF-style: chr15-65624881-C-T. GRCh37 (hg19) VCF-style: chr15-65917219-C-T.
Other names: c.801C>T, p.Asn267= (NM_001301031.1, NM_001301032.1, NM_001301033.2 and 1 more transcripts).
Identifiers: ClinVar variation 4981556 (VCV004981556.1).
Genomic context (GRCh38, chr15:65,624,881, plus strand): 5'-CACTCTCAAGGGAATGTTTGATAGCACCCCAACTTTTCTGACACATGAGGTAGAAGCAAA[C>T]GTCTTGACTTCTCCAAGGAGCGTCATGGAAAAAAACAACCTGTTTCCCCCCAGAAGAGTG-3'
Protein context (NP_004718.1, residues 257-277): PTFLTHEVEA[Asn267=]VLTSPRSVME